The following is an entry in ClinVar:

NM_001165963.4(SCN1A):c.4002+1G>T

Genes: SCN1A (sodium voltage-gated channel alpha subunit 1; minus strand), LOC102724058 (uncharacterized LOC102724058; plus strand). Cytogenetic location: 2q24.3.
Variant type: single nucleotide variant.
Coding change: c.4002+1G>T on transcript NM_001165963.4 (MANE Select); the canonical splice donor site of the intron after coding-DNA position 4002, G replaced by T.
Molecular consequence: splice donor variant.
Genome position (GRCh38, 1-based): chr2:166,009,718, C>A on the plus strand (G>T on the coding strand, the complement: SCN1A is on the minus strand). VCF-style: chr2-166009718-C-A. GRCh37 (hg19) VCF-style: chr2-166866228-C-A.
Other names: c.3969+1G>T (NM_001353949.2, NM_001353950.2, NM_001353951.2 and 2 more transcripts); c.3918+1G>T (NM_001353958.2, NM_001353957.2, NM_001165964.3); c.4002+1G>T (NM_001202435.3, NM_001353948.2); c.3966+1G>T (NM_001353955.2, NM_001353954.2); c.3915+1G>T (NM_001353960.2); c.1560+1G>T (NM_001353961.2).
Identifiers: ClinVar variation 975944 (VCV000975944.8), dbSNP rs1692153643, ClinGen allele CA349052816.

ClinVar aggregate classification (germline): Pathogenic/Likely pathogenic. Review status: criteria provided, multiple submitters, no conflicts (2 of 4 stars). 3 submissions from 3 submitters: Pathogenic (2); Likely pathogenic (1). Last evaluated 2020-10-09.

Conditions:
Generalized epilepsy with febrile seizures plus, type 2 (GEFSP2). Also called: GEFS+, TYPE 2. Identifiers: Orphanet 36387, MedGen C1858673, MONDO:0011461, OMIM 604403.
Severe myoclonic epilepsy in infancy (DRVT). Also called: SEVERE MYOCLONIC EPILEPSY OF INFANCY; DEVELOPMENTAL AND EPILEPTIC ENCEPHALOPATHY 6A; Severe Myoclonic Epilepsy in Infancy (SMEI); Dravet syndrome; Epileptic encephalopathy, early infantile, 6 (Dravet syndrome). Identifiers: Orphanet 33069, MedGen C0751122, MONDO:0100135, OMIM 607208.

Submissions (3):

Mayo Clinic Laboratories, Mayo Clinic
Classification: Likely pathogenic. Last evaluated: 2020-10-09. Review status: criteria provided, single submitter. Criteria: ACMG Guidelines, 2015. Collection method: clinical testing. Allele origin: germline. Observed: 1 variant allele.
Comment: PVS1, PM2

Institute of Human Genetics, University of Leipzig Medical Center
Classification: Pathogenic for Severe myoclonic epilepsy in infancy. Last evaluated: 2017-04-28. Review status: criteria provided, single submitter. Criteria: ACMG Guidelines, 2015. Collection method: clinical testing. Allele origin: germline. Affected: yes. Observed: 1 variant allele.

Lifecell International Pvt. Ltd
Classification: Pathogenic for Generalized epilepsy with febrile seizures plus, type 2. Review status: criteria provided, single submitter. Criteria: ACMG Guidelines, 2015. Collection method: clinical testing. Allele origin: germline. Inheritance: Autosomal dominant inheritance. Affected: yes. Observed: 1 variant allele, 1 heterozygote.
Comment: A heterozygous 5â€™ splice site variation in intron 23 of the SCN1A gene (c.4002+1G>T) that affects the invariant GT donor splice-site of exon 23 was detected. The observed variant is not present in both the 1000 Genomes and gnomAD databases. The reference base is conserved across the species and in-silico predictions by Mutation taster, GeneSplicer, MaxEntScan, NNSplice are damaging. This variant has previously been reported for Epileptic encephalopathy by Mahdieh N et al., 2018. The gene has a low rate of benign loss of function variants as indicated by a high LoF variants Z-Score of 7.90. The variant is a loss of function variant in the gene, which is intolerant of Loss of Function variants, as indicated by the presence of existing pathogenic loss of function variant NP_001159435.1:p.M1I and 348 others. There are 338 downstream pathogenic loss of function variants, with the furthest variant being 591 residues downstream of the variant. Based on the above evidence this variant has been classified as pathogenic according to the ACMG guidelines.

Literature cited by the submitters: PubMed 1893009 (cited by Mayo Clinic Laboratories, Mayo Clinic); PubMed 25525159 (cited by Mayo Clinic Laboratories, Mayo Clinic).